The following is an entry in ClinVar:

NM_194248.3(OTOF):c.-120G>T

Gene: OTOF (otoferlin; minus strand). Cytogenetic location: 2p23.3.
Variant type: single nucleotide variant.
Coding change: c.-120G>T on transcript NM_194248.3 (MANE Select); 120 bases upstream of the start codon, G replaced by T.
Molecular consequence: 5 prime UTR variant.
Genome position (GRCh38, 1-based): chr2:26,558,691, C>A on the plus strand (G>T on the coding strand, the complement: OTOF is on the minus strand). VCF-style: chr2-26558691-C-A. GRCh37 (hg19) VCF-style: chr2-26781559-C-A.
Other names: c.-120G>T (NM_001287489.2).
Identifiers: ClinVar variation 335472 (VCV000335472.7), dbSNP rs114469860, ClinGen allele CA10613439.

ClinVar aggregate classification (germline): Benign/Likely benign. Review status: criteria provided, multiple submitters, no conflicts (2 of 4 stars). 3 submissions from 3 submitters: Benign (1); Likely benign (2). Last evaluated 2018-06-16.

Conditions:
Autosomal recessive nonsyndromic hearing loss 9. Also called: Deafness, autosomal recessive 9; NEUROSENSORY NONSYNDROMIC RECESSIVE DEAFNESS 9; OTOF-Related Hearing Loss; AUDITORY NEUROPATHY, AUTOSOMAL RECESSIVE, 1, TEMPERATURE-SENSITIVE. Identifiers: Orphanet 90636, MedGen C1832828, MONDO:0010986, OMIM 601071.

Allele frequency attached by ClinVar (database versions not stated): gnomAD 0.02194 and 0.02362; 1000 Genomes Project 0.02276; 1000 Genomes Project 30x 0.02389; TOPMed 0.02479.
gnomAD v4.1: 5,133 of 843,376 alleles (0.61%); highest among the groups gnomAD compares: African/African-American, 7.7%; 188 homozygotes.

Submissions (3):

GeneDx
Classification: Benign. Last evaluated: 2018-06-16. Review status: criteria provided, single submitter. Criteria: GeneDx Variant Classification (06012015). Collection method: clinical testing. Allele origin: germline. Affected: yes.
Comment: This variant is considered likely benign or benign based on one or more of the following criteria: it is a conservative change, it occurs at a poorly conserved position in the protein, it is predicted to be benign by multiple in silico algorithms, and/or has population frequency not consistent with disease.

Illumina Laboratory Services, Illumina
Classification: Likely benign for Autosomal recessive nonsyndromic hearing loss 9. Last evaluated: 2018-01-12. Review status: criteria provided, single submitter. Criteria: ICSL Variant Classification Criteria 13 December 2019. Collection method: clinical testing. Allele origin: germline.
Comment: This variant was observed in the ICSL laboratory as part of a predisposition screen in an ostensibly healthy population. It had not been previously curated by ICSL or reported in the Human Gene Mutation Database (HGMD: prior to June 1st, 2018), and was therefore a candidate for classification through an automated scoring system. Utilizing variant allele frequency, disease prevalence and penetrance estimates, and inheritance mode, an automated score was calculated to assess if this variant is too frequent to cause the disease. Based on the score and internal cut-off values, a variant classified as likely benign is not then subjected to further curation. The score for this variant resulted in a classification of likely benign for this disease.

Breakthrough Genomics
Classification: Likely benign. Review status: criteria provided, single submitter. Criteria: ACMG Guidelines, 2015. Collection method: not provided. Allele origin: germline. Inheritance: Autosomal recessive inheritance. Affected: yes.